The following is an entry in ClinVar:

NM_004360.5(CDH1):c.752C>G (p.Thr251Arg)

Gene: CDH1 (cadherin 1; plus strand). Cytogenetic location: 16q22.1.
Variant type: single nucleotide variant.
Coding change: c.752C>G on transcript NM_004360.5 (MANE Select); coding-DNA position 752, C replaced by G.
Protein change: p.Thr251Arg; replaces threonine 251 with arginine.
Molecular consequence: missense variant. On other transcripts: 5 prime UTR variant (2).
Genome position (GRCh38, 1-based): chr16:68,810,261, C>G. VCF-style: chr16-68810261-C-G. GRCh37 (hg19) VCF-style: chr16-68844164-C-G.
Other names: c.752C>G, p.Thr251Arg (NM_001317184.2); c.-864C>G (NM_001317185.2); c.-1068C>G (NM_001317186.2); short protein forms T251R.
Identifiers: ClinVar variation 5033937 (VCV005033937.1).

ClinVar aggregate classification (germline): Uncertain significance (1 of 4 stars; one submission).

Conditions:
Hereditary cancer-predisposing syndrome. Also called: Neoplastic Syndromes, Hereditary; Tumor predisposition; Hereditary neoplastic syndrome; Hereditary Cancer Syndrome. Identifiers: Orphanet 140162, MedGen C0027672, MeSH D009386, MONDO:0015356.

Submission:

Ambry Genetics
Classification: Uncertain significance for Hereditary cancer-predisposing syndrome. Last evaluated: 2026-07-06. Review status: criteria provided, single submitter. Criteria: Ambry Variant Classification Scheme 2023. Collection method: clinical testing. Allele origin: germline.
Comment: The p.T251R variant (also known as c.752C>G), located in coding exon 6 of the CDH1 gene, results from a C to G substitution at nucleotide position 752. The threonine at codon 251 is replaced by arginine, an amino acid with similar properties. This amino acid position is conserved. In addition, this alteration is predicted to be tolerated by in silico analysis. Based on the available evidence, the clinical significance of this variant remains unclear.